The following is an entry in ClinVar:

NM_003041.4(SLC5A2):c.962A>G (p.Lys321Arg)

Gene: SLC5A2 (solute carrier family 5 member 2; plus strand). Cytogenetic location: 16p11.2.
Variant type: single nucleotide variant.
Coding change: c.962A>G on transcript NM_003041.4 (MANE Select); coding-DNA position 962, A replaced by G.
Protein change: p.Lys321Arg; replaces lysine 321 with arginine.
Molecular consequence: missense variant. On other transcripts: non-coding transcript variant (1).
Genome position (GRCh38, 1-based): chr16:31,488,114, A>G. VCF-style: chr16-31488114-A-G. GRCh37 (hg19) VCF-style: chr16-31499435-A-G.
Other names: c.962A>G (NM_003041.3); short protein forms K321R.
Identifiers: ClinVar variation 3580320 (VCV003580320.4).

ClinVar aggregate classification (germline): Pathogenic/Likely pathogenic. Review status: criteria provided, multiple submitters, no conflicts (2 of 4 stars). 4 submissions from 4 submitters: Pathogenic (2); Likely pathogenic (2). Last evaluated 2026-06-02.

Conditions:
SLC5A2-related disorder. Also called: SLC5A2-related condition.
Familial renal glucosuria (GLYS). Also called: RENAL GLUCOSURIA, AUTOSOMAL DOMINANT; Familial renal glycosuria. Identifiers: Orphanet 69076, MedGen C3245525, MONDO:0009297, OMIM 233100.

gnomAD v4.1: 18 of 1,614,044 alleles (0.0011%); highest among the groups gnomAD compares: Admixed American, 0.013%; no homozygotes.

Submissions (4):

PreventionGenetics, part of Exact Sciences
Classification: Likely pathogenic for SLC5A2-related condition. Last evaluated: 2026-06-02. Review status: criteria provided, single submitter. Criteria: ACMG Guidelines, 2015. Collection method: clinical testing. Allele origin: germline.
Comment: The SLC5A2 c.962A>G variant is predicted to result in the amino acid substitution p.Lys321Arg. This variant was reported in the homozygous state in several individuals with renal glucosuria (Magen et al. 2005. PubMed ID: 15610225) and functional studies suggest that this variant may result in exon skipping (Wang et al. 2020. PubMed ID: 33250922). This variant is reported in 0.020% of alleles in individuals of Latino descent in gnomAD. Taken together, we classify this variant as likely pathogenic.

Dasa
Classification: Pathogenic. Last evaluated: 2025-04-13. Review status: criteria provided, single submitter. Criteria: DASA Assertion Criteria. Collection method: clinical testing. Allele origin: germline.
Comment: NM_003041.4(SLC5A2):c.962A>G (p.Lys321Arg) is a missense variant that results in the substitution of lysine with arginine. Segregation evidence has been reported in affected families. This variant has been observed in affected individuals with related phenotype in a genotype context consistent with recessive disease (PMID: 15610225; PMID: 38344682). This variant has been recurrently observed in individuals with related phenotype (PMID: 15610225; PMID: 38344682). Multiple computational predictions support a deleterious effect on the gene or gene product. The variant is present at low frequency in population datasets. Based on the available data, this variant is classified as pathogenic.

Fulgent Genetics
Classification: Likely pathogenic for Familial renal glucosuria. Last evaluated: 2024-05-20. Review status: criteria provided, single submitter. Criteria: ACMG Guidelines, 2015. Collection method: clinical testing. Allele origin: germline.

Blueprint Genetics
Classification: Pathogenic for SLC5A2-related disorders. Last evaluated: 2023-08-18. Review status: criteria provided, single submitter. Criteria: ACMG Guidelines, 2015. Collection method: clinical testing. Allele origin: germline. Affected: yes. Observed: 2 variant alleles.

Literature cited by the submitters: PubMed 15610225 (cited by Dasa); PubMed 38344682 (cited by Dasa).